The following is an entry in ClinVar:

ClinVar aggregate classification (germline): Likely benign. Review status: criteria provided, multiple submitters, no conflicts (2 of 4 stars). 2 submissions from 2 submitters: Likely benign (2). Last evaluated 2020-02-03.

Conditions:
Hereditary breast ovarian cancer syndrome. Also called: BRCA1- and BRCA2-Associated Hereditary Breast and Ovarian Cancer; Hereditary breast and ovarian cancer syndrome (HBOC); Hereditary breast and ovarian cancer syndrome; Breast and ovarian cancer; Hereditary breast and ovarian cancer; Hereditary breast and/or ovarian cancer syndrome. Identifiers: Orphanet 145, MedGen C0677776, MeSH D061325, MONDO:0003582. Disease mechanism: loss of function.
Familial cancer of breast. Also called: hereditary breast carcinoma; BREAST CANCER, FAMILIAL; Hereditary breast cancer. Identifiers: Orphanet 227535, MedGen C0346153, MONDO:0016419, OMIM 114480. Disease mechanism: loss of function.
Fanconi anemia, complementation group S (FANCS). Identifiers: MedGen C4554406, MONDO:0054748, OMIM 617883.
Breast-ovarian cancer, familial, susceptibility to, 1 (BROVCA1). Also called: OVARIAN CANCER, SUSCEPTIBILITY TO; BRCA1 Hereditary Breast and Ovarian Cancer. Identifiers: Orphanet 145, MedGen C2676676, MONDO:0011450, OMIM 604370. Disease mechanism: loss of function.

Submissions (3):

Department of Pathology and Laboratory Medicine, Sinai Health System
Classification: Likely benign for Familial cancer of breast; Breast-ovarian cancer, familial, susceptibility to, 1; Fanconi anemia, complementation group S. Last evaluated: 2020-02-03. Review status: criteria provided, single submitter. Criteria: ACMG Guidelines, 2015. Collection method: clinical testing. Allele origin: germline.

Labcorp Genetics (formerly Invitae), Labcorp
Classification: Likely benign for Hereditary breast ovarian cancer syndrome. Last evaluated: 2018-09-18. Review status: criteria provided, single submitter. Criteria: Invitae Variant Classification Sherloc (09022015). Collection method: clinical testing. Allele origin: germline.

Brotman Baty Institute, University of Washington
No classification provided (evidence only). Condition: Breast-ovarian cancer, familial 1. Review status: no classification provided. Collection method: in vitro. Allele origin: not applicable. Functional consequence: functionally_normal. Not counted in ClinVar's aggregate classification.
ClinVar note: "not provided" was previously submitted as the classification for the variant. However, the classification appeared to be based only on an observation of functional data so it was converted to no classification on 2025-07-30.

NM_007294.4(BRCA1):c.81-16C>T

Gene: BRCA1 (BRCA1 DNA repair associated; minus strand). Cytogenetic location: 17q21.31.
Variant type: single nucleotide variant.
Coding change: c.81-16C>T on transcript NM_007294.4 (MANE Select); 16 bases into the intron before coding-DNA position 81, C replaced by T.
Molecular consequence: intron variant.
Genome position (GRCh38, 1-based): chr17:43,115,795, G>A on the plus strand (C>T on the coding strand, the complement: BRCA1 is on the minus strand). VCF-style: chr17-43115795-G-A. GRCh37 (hg19) VCF-style: chr17-41267812-G-A.
Other names: c.-61-16C>T (NM_001408458.1, NM_001408470.1, NM_001407848.1 and 47 more transcripts); c.-219+9482C>T (NM_001407967.1); c.-170+9482C>T (NM_001407959.1); c.-7-9262C>T (NM_001407931.1, NM_001407747.1, NM_001408511.1 and 2 more transcripts); c.-223-16C>T (NM_001407962.1, NM_001408512.1, NM_001408510.1 and 1 more transcripts); c.-108-16C>T (NM_001407885.1, NM_001407886.1, NM_001408509.1 and 52 more transcripts); c.-177-16C>T (NM_001407746.1, NM_001407930.1, NM_001407843.1 and 13 more transcripts); c.-8+8222C>T (NM_001408461.1, NM_001407738.1, NM_001407932.1 and 23 more transcripts); and 10 more.
Identifiers: ClinVar variation 753132 (VCV000753132.12), dbSNP rs1057520829, ClinGen allele CA915950087.